The following is an entry in ClinVar:

ClinVar aggregate classification (germline): Pathogenic. Review status: criteria provided, multiple submitters, no conflicts (2 of 4 stars). 4 submissions from 4 submitters: Pathogenic (2). 2 of the submissions do not count toward it. Last evaluated 2025-03-07.

Conditions:
F9-related disorder. Also called: F9-related condition.
Thrombophilia, X-linked, due to factor 9 defect. Identifiers: MedGen C2749016, MONDO:0010432, OMIM 300807.
Hereditary factor IX deficiency disease (HEMB). Also called: F9 DEFICIENCY; FACTOR IX DEFICIENCY; Hemophilia B; Christmas Disease; PLASMA THROMBOPLASTIN COMPONENT DEFICIENCY. Identifiers: Orphanet 98879, MedGen C0008533, MeSH D002836, MONDO:0010604, OMIM 306900.

Allele frequency attached by ClinVar (database versions not stated): TOPMed 0.00002.

Submissions (4):

Women's Health and Genetics/Laboratory Corporation of America, LabCorp
Classification: Pathogenic for Hereditary factor IX deficiency disease. Last evaluated: 2025-03-07. Review status: criteria provided, single submitter. Criteria: LabCorp Variant Classification Summary - May 2015. Collection method: clinical testing. Allele origin: germline.
Comment: Variant summary: F9 c.1058T>C (p.Val353Ala) results in a non-conservative amino acid change in the encoded protein sequence. Five of five in-silico tools predict a damaging effect of the variant on protein function. The variant was absent in 183294 control chromosomes. c.1058T>C has been reported in the literature in multiple individuals affected with Factor IX Deficiency (Hemophilia B) (e.g., Bottema_1089, Chen_1991, Thompson_1992, Weinmann_1998, Chavali_2009). These data indicate that the variant is very likely to be associated with disease. To our knowledge, no experimental evidence demonstrating an impact on protein function has been reported. The following publications have been ascertained in the context of this evaluation (PMID: 2570235, 19699296, 2066105, 1579901, 9450791). ClinVar contains an entry for this variant (Variation ID: 10608). Based on the evidence outlined above, the variant was classified as pathogenic.

Labcorp Genetics (formerly Invitae), Labcorp
Classification: Pathogenic for Thrombophilia, X-linked, due to factor 9 defect; Hereditary factor IX deficiency disease. Last evaluated: 2023-11-24. Review status: criteria provided, single submitter. Criteria: Invitae Variant Classification Sherloc (09022015). Collection method: clinical testing. Allele origin: germline.
Comment: This sequence change replaces valine, which is neutral and non-polar, with alanine, which is neutral and non-polar, at codon 353 of the F9 protein (p.Val353Ala). This variant is not present in population databases (gnomAD no frequency). This missense change has been observed in individuals with hemophilia B (PMID: 1517205, 2066105, 2570235, 9450791, 19699296). This variant is also known as V307A. ClinVar contains an entry for this variant (Variation ID: 10608). Advanced modeling of protein sequence and biophysical properties (such as structural, functional, and spatial information, amino acid conservation, physicochemical variation, residue mobility, and thermodynamic stability) performed at Invitae indicates that this missense variant is not expected to disrupt F9 protein function with a negative predictive value of 80%. This variant disrupts the p.Val353 amino acid residue in F9. Other variant(s) that disrupt this residue have been observed in individuals with F9-related conditions (PMID: 7937052, 19262239), which suggests that this may be a clinically significant amino acid residue. For these reasons, this variant has been classified as Pathogenic.

PreventionGenetics, part of Exact Sciences
Classification: Pathogenic for F9-related condition. Last evaluated: 2024-05-29. Review status: no assertion criteria provided. Collection method: clinical testing. Allele origin: germline. Not counted in ClinVar's aggregate classification.
Comment: The F9 c.1058T>C variant is predicted to result in the amino acid substitution p.Val353Ala. This variant has been reported in multiple individuals with mild Haemophilia B (Chavali et al., 2009. PubMed ID: 19699296; described as c.31041T>C, p.Val307Ala in Chen et al., 1991. PubMed ID: 2066105 and Weinmann et al., 1998. PubMed ID: 9450791). This variant has not been reported in a large population database, indicating this variant is rare. This variant is interpreted as pathogenic.

OMIM
Classification: Pathogenic for HEMOPHILIA B. Last evaluated: 2013-09-11. Review status: no assertion criteria provided. Collection method: literature only. Allele origin: germline. Not counted in ClinVar's aggregate classification.

Literature cited by the submitters: PubMed 19699296 (cited by Women's Health and Genetics/Laboratory Corporation of America, LabCorp and Labcorp Genetics (formerly Invitae), Labcorp); PubMed 2570235 (cited by Women's Health and Genetics/Laboratory Corporation of America, LabCorp and Labcorp Genetics (formerly Invitae), Labcorp); PubMed 2066105 (cited by Women's Health and Genetics/Laboratory Corporation of America, LabCorp and Labcorp Genetics (formerly Invitae), Labcorp); PubMed 1579901 (cited by Women's Health and Genetics/Laboratory Corporation of America, LabCorp); PubMed 9450791 (cited by Women's Health and Genetics/Laboratory Corporation of America, LabCorp and Labcorp Genetics (formerly Invitae), Labcorp); PubMed 1517205 (cited by Labcorp Genetics (formerly Invitae), Labcorp); PubMed 7937052 (cited by Labcorp Genetics (formerly Invitae), Labcorp); PubMed 19262239 (cited by Labcorp Genetics (formerly Invitae), Labcorp); Bottema, C. D. K., Koeberl, D. D., Ketterling, R. P., Lillicrap, D. P., Bridges, P., Sommer, S. S. The molecular pathology of hemophilia B is a mirror of the pattern of recent germline mutations in humans. (Abstract) Blood 74: 252A, 1989. (cited by OMIM).

NM_000133.4(F9):c.1058T>C (p.Val353Ala)

Gene: F9 (coagulation factor IX; plus strand). Cytogenetic location: Xq27.1.
Variant type: single nucleotide variant.
Coding change: c.1058T>C on transcript NM_000133.4 (MANE Select); coding-DNA position 1058, T replaced by C.
Protein change: p.Val353Ala; replaces valine 353 with alanine.
Molecular consequence: missense variant.
Genome position (GRCh38, 1-based): chrX:139,561,743, T>C. VCF-style: chrX-139561743-T-C. GRCh37 (hg19) VCF-style: chrX-138643902-T-C.
Other names: F9, VAL307ALA; V307A; c.944T>C, p.Val315Ala (NM_001313913.2); c.1058T>C (NM_000133.3); short protein forms V353A, V315A.
Identifiers: ClinVar variation 10608 (VCV000010608.6), dbSNP rs137852255, ClinGen allele CA255383.